The following is an entry in ClinVar:

ClinVar aggregate classification (germline): Benign/Likely benign. Review status: criteria provided, multiple submitters, no conflicts (2 of 4 stars). 8 submissions from 8 submitters: Benign (3); Likely benign (3). 2 of the submissions do not count toward it. Last evaluated 2025-12-21.

Conditions:
Episodic kinesigenic dyskinesia (EKD). Also called: Paroxysmal kinesigenic dyskinesia. Identifiers: Orphanet 98809, MedGen C1868682, MONDO:0044202.
Inborn genetic diseases. Identifiers: MedGen C0950123, MeSH D030342.

Allele frequency attached by ClinVar (database versions not stated): gnomAD below 0.00001 and 0.00031; TOPMed 0.00004; gnomAD exomes 0.00036 and 0.00088; ExAC 0.00098; 1000 Genomes Project 30x 0.00375; 1000 Genomes Project 0.00379.

Submissions (8):

Labcorp Genetics (formerly Invitae), Labcorp
Classification: Benign for Episodic kinesigenic dyskinesia. Last evaluated: 2025-12-21. Review status: criteria provided, single submitter. Criteria: Invitae Variant Classification Sherloc (09022015). Collection method: clinical testing. Allele origin: germline.

Blueprint Genetics
Classification: Likely benign. Last evaluated: 2024-11-04. Review status: criteria provided, single submitter. Criteria: ACMG Guidelines, 2015. Collection method: clinical testing. Allele origin: germline.

CeGaT Center for Human Genetics Tuebingen
Classification: Likely benign. Last evaluated: 2022-12-01. Review status: criteria provided, single submitter. Criteria: CeGaT Center For Human Genetics Tuebingen Variant Classification Criteria Version 2. Collection method: clinical testing. Allele origin: germline. Affected: yes. Observed: 1 variant allele.
Comment: PRRT2: BP4, BP7, BS2

Ambry Genetics
Classification: Likely benign for Inborn genetic diseases. Last evaluated: 2017-05-04. Review status: criteria provided, single submitter. Criteria: Ambry Variant Classification Scheme 2023. Collection method: clinical testing. Allele origin: germline.

Eurofins Ntd Llc (ga)
Classification: Benign. Last evaluated: 2015-06-18. Review status: criteria provided, single submitter. Criteria: EGL Classification Definitions 2015. Collection method: clinical testing. Allele origin: germline. Observed: 1 variant allele, 1 heterozygote.

GeneDx
Classification: Benign. Last evaluated: 2015-03-11. Review status: criteria provided, single submitter. Criteria: GeneDx Variant Classification (06012015). Collection method: clinical testing. Allele origin: germline. Affected: yes.
Comment: This variant is considered likely benign or benign based on one or more of the following criteria: it is a conservative change, it occurs at a poorly conserved position in the protein, it is predicted to be benign by multiple in silico algorithms, and/or has population frequency not consistent with disease.

Clinical Genetics DNA and cytogenetics Diagnostics Lab, Erasmus MC, Erasmus Medical Center
Classification: Likely benign. Review status: no assertion criteria provided. Collection method: clinical testing. Allele origin: germline. Affected: yes. Study: VKGL Data-share Consensus. Not counted in ClinVar's aggregate classification.

Genome Diagnostics Laboratory, University Medical Center Utrecht
Classification: Likely benign. Review status: no assertion criteria provided. Collection method: clinical testing. Allele origin: germline. Affected: yes. Study: VKGL Data-share Consensus. Not counted in ClinVar's aggregate classification.

NM_145239.3(PRRT2):c.564G>A (p.Gln188=)

Genes: MVP-DT (MVP divergent transcript; minus strand), PRRT2 (proline rich transmembrane protein 2; plus strand). Cytogenetic location: 16p11.2.
Variant type: single nucleotide variant.
Coding change: c.564G>A on transcript NM_145239.3 (MANE Select); coding-DNA position 564, G replaced by A.
Protein change: p.Gln188=; no amino-acid change (glutamine 188 retained).
Molecular consequence: synonymous variant.
Genome position (GRCh38, 1-based): chr16:29,813,618, G>A. VCF-style: chr16-29813618-G-A. GRCh37 (hg19) VCF-style: chr16-29824939-G-A.
Other names: c.564G>A, p.Gln188= (NM_001256442.2, NM_001256443.2).
Identifiers: ClinVar variation 281503 (VCV000281503.46), dbSNP rs545201760, ClinGen allele CA7994546.